The following is an entry in ClinVar:

NM_012281.3(KCND2):c.1315G>A (p.Gly439Arg)

Gene: KCND2 (potassium voltage-gated channel subfamily D member 2; plus strand). Cytogenetic location: 7q31.31.
Variant type: single nucleotide variant.
Coding change: c.1315G>A on transcript NM_012281.3 (MANE Select); coding-DNA position 1315, G replaced by A.
Protein change: p.Gly439Arg; replaces glycine 439 with arginine.
Molecular consequence: missense variant.
Genome position (GRCh38, 1-based): chr7:120,741,570, G>A. VCF-style: chr7-120741570-G-A. GRCh37 (hg19) VCF-style: chr7-120381624-G-A.
Other names: short protein forms G439R.
Identifiers: ClinVar variation 1397783 (VCV001397783.6), dbSNP rs764312490, ClinGen allele CA4453647.
Genomic context (GRCh38, chr7:120,741,570, plus strand): 5'-GGATGTTTATTTTTTCTCCTATAGAAAGCTAGACTGGCCAGGATCCGGGCAGCCAAAAGC[G>A]GAAGCGCAAATGCTTACATGCAGAGCAAACGGAATGGTTTACTCAGTAATCAGCTGCAGG-3'
Protein context (NP_036413.1, residues 429-449): RLARIRAAKS[Gly439Arg]SANAYMQSKR

ClinVar aggregate classification (germline): Uncertain significance (1 of 4 stars; one submission).

Conditions:
Early Myoclonic Encephalopathy. Identifiers: MedGen C0270855.

Allele frequency attached by ClinVar (database versions not stated): gnomAD exomes 0.00001; TOPMed 0.00003; gnomAD 0.00004 and 0.00003; ExAC 0.00002.
gnomAD v4.1: 10 of 1,613,184 alleles (0.00062%); highest among the groups gnomAD compares: African/African-American, 0.0027%; no homozygotes.

Submission:

Labcorp Genetics (formerly Invitae), Labcorp
Classification: Uncertain significance for Early Myoclonic Encephalopathy. Last evaluated: 2024-10-10. Review status: criteria provided, single submitter. Criteria: Invitae Variant Classification Sherloc (09022015). Collection method: clinical testing. Allele origin: germline.
Comment: This sequence change replaces glycine, which is neutral and non-polar, with arginine, which is basic and polar, at codon 439 of the KCND2 protein (p.Gly439Arg). This variant is present in population databases (rs764312490, gnomAD 0.003%). This variant has not been reported in the literature in individuals affected with KCND2-related conditions. ClinVar contains an entry for this variant (Variation ID: 1397783). Invitae Evidence Modeling of protein sequence and biophysical properties (such as structural, functional, and spatial information, amino acid conservation, physicochemical variation, residue mobility, and thermodynamic stability) indicates that this missense variant is not expected to disrupt KCND2 protein function with a negative predictive value of 95%. In summary, the available evidence is currently insufficient to determine the role of this variant in disease. Therefore, it has been classified as a Variant of Uncertain Significance.